The following is an entry in ClinVar:

ClinVar aggregate classification (germline): Pathogenic/Likely pathogenic. Review status: criteria provided, multiple submitters, no conflicts (2 of 4 stars). 2 submissions from 2 submitters: Pathogenic (1); Likely pathogenic (1). Last evaluated 2023-07-29.

Conditions:
Seizure. Also called: Seizures. Identifiers: MedGen C0036572, HP:0001250.
Episodic kinesigenic dyskinesia (EKD). Also called: Paroxysmal kinesigenic dyskinesia. Identifiers: Orphanet 98809, MedGen C1868682, MONDO:0044202.

Submissions (2):

Labcorp Genetics (formerly Invitae), Labcorp
Classification: Pathogenic for Episodic kinesigenic dyskinesia. Last evaluated: 2023-07-29. Review status: criteria provided, single submitter. Criteria: Invitae Variant Classification Sherloc (09022015). Collection method: clinical testing. Allele origin: germline.
Comment: For these reasons, this variant has been classified as Pathogenic. ClinVar contains an entry for this variant (Variation ID: 835335). This premature translational stop signal has been observed in individual(s) with clinical features of PRRT2-related conditions (Invitae). This variant is not present in population databases (gnomAD no frequency). This sequence change creates a premature translational stop signal (p.Gly259Valfs*54) in the PRRT2 gene. It is expected to result in an absent or disrupted protein product. Loss-of-function variants in PRRT2 are known to be pathogenic (PMID: 22623405, 22744660).

Cytogénomique, Hospices Civils de Lyon
Classification: Likely pathogenic for Seizure. Last evaluated: 2020-09-09. Review status: criteria provided, single submitter. Criteria: ACMG Guidelines, 2015. Collection method: clinical testing. Allele origin: maternal. Inheritance: Autosomal dominant inheritance. Affected: yes. Observed: 1 variant allele, 1 heterozygote.
Comment: Frameshift variant is absent from gnomAD. Can partially explain the phenotype.

Literature cited by the submitters: PubMed 22623405 (cited by Labcorp Genetics (formerly Invitae), Labcorp); PubMed 22744660 (cited by Labcorp Genetics (formerly Invitae), Labcorp).

NM_145239.3(PRRT2):c.776del (p.Gly259fs)

Genes: MVP-DT (MVP divergent transcript; minus strand), PRRT2 (proline rich transmembrane protein 2; plus strand). Cytogenetic location: 16p11.2.
Variant type: Deletion.
Coding change: c.776del on transcript NM_145239.3 (MANE Select); coding-DNA position 776, one base deleted (G; older notation c.776delG).
Protein change: p.Gly259fs; shifts the reading frame from glycine 259.
Molecular consequence: frameshift variant.
Genome position (GRCh38, 1-based): chr16:29,813,830, G deleted; the last of 6 consecutive G bases (chr16:29,813,825-29,813,830); deleting any one gives the same sequence. VCF-style (leftmost placement, unchanged base first): chr16-29813824-AG-A. GRCh37 (hg19) VCF-style: chr16-29825145-AG-A.
Other names: c.776del, p.Gly259fs (NM_001256442.2, NM_001256443.2); short protein forms G259fs.
Identifiers: ClinVar variation 835335 (VCV000835335.10), dbSNP rs1900111672, ClinGen allele CA494883999.